The following is an entry in ClinVar:

ClinVar aggregate classification (germline): Pathogenic (1 of 4 stars; one submission).

Conditions:
Fabry disease. Also called: ALPHA-GALACTOSIDASE A DEFICIENCY; ANDERSON-FABRY DISEASE; CERAMIDE TRIHEXOSIDASE DEFICIENCY; GLA DEFICIENCY; HEREDITARY DYSTOPIC LIPIDOSIS; Angiokeratoma corporis diffusum. Identifiers: Orphanet 324, MedGen C0002986, MONDO:0010526, OMIM 301500, HP:0001071. Disease mechanism: Fabry disease is due to inactivating mutations in the X-linked GLA gene resulting in deficiency of the enzyme Alpha Galactosidase-A., loss of function.

Submission:

Genomenon, Inc
Classification: Pathogenic for Fabry disease. Last evaluated: 2026-09-08. Review status: criteria provided, single submitter. Criteria: Genomenon Sequence Variant Interpretation Standards - Updated. Collection method: curation. Allele origin: germline. Affected: yes.
Comment: GLA p.Gln111Ter (c.331C>T) is a nonsense variant that introduces a premature stop codon at amino acid position 111 and is predicted to result in a truncated or absent protein product. This variant has been observed in at least one proband with clinical features consistent with Fabry disease (PMID:23430946;36725792). Functional or patient cell studies have been reported (PMID:36725792). It is absent or not present at a significant frequency in gnomAD. In conclusion, we classify GLA p.Gln111Ter (c.331C>T) as a pathogenic variant.

Literature cited by the submitters: PubMed 23430946; PubMed 36725792.

NM_000169.3(GLA):c.331C>T (p.Gln111Ter)

Genes: GLA (galactosidase alpha; minus strand), RPL36A-HNRNPH2 (RPL36A-HNRNPH2 readthrough; plus strand). Cytogenetic location: Xq22.1.
Variant type: single nucleotide variant.
Coding change: c.331C>T on transcript NM_000169.3 (MANE Select); coding-DNA position 331, C replaced by T.
Protein change: p.Gln111Ter; replaces glutamine 111 with a stop codon.
Molecular consequence: nonsense. On other transcripts: non-coding transcript variant (3), intron variant (2).
Genome position (GRCh38, 1-based): chrX:101,403,849, G>A on the plus strand (C>T on the coding strand, the complement: GLA is on the minus strand). VCF-style: chrX-101403849-G-A. GRCh37 (hg19) VCF-style: chrX-100658837-G-A.
Other names: c.454C>T, p.Gln152Ter (NM_001406747.1, NM_001406749.1); c.331C>T, p.Gln111Ter (NM_001406748.1); c.301-8087G>A (NM_001199973.2); c.178-8087G>A (NM_001199974.2); short protein forms Q111*, Q152*.
Identifiers: ClinVar variation 4087155 (VCV004087155.2).